The following is an entry in ClinVar:

NM_001151.4(SLC25A4):c.164T>C (p.Ile55Thr)

Gene: SLC25A4 (solute carrier family 25 member 4; plus strand). Cytogenetic location: 4q35.1.
Variant type: single nucleotide variant.
Coding change: c.164T>C on transcript NM_001151.4 (MANE Select); coding-DNA position 164, T replaced by C.
Protein change: p.Ile55Thr; replaces isoleucine 55 with threonine.
Molecular consequence: missense variant.
Genome position (GRCh38, 1-based): chr4:185,144,816, T>C. VCF-style: chr4-185144816-T-C. GRCh37 (hg19) VCF-style: chr4-186065970-T-C.
Other names: short protein forms I55T.
Identifiers: ClinVar variation 1966912 (VCV001966912.5), dbSNP rs779998539, ClinGen allele CA3156435.

ClinVar aggregate classification (germline): Uncertain significance (1 of 4 stars; one submission).

Allele frequency attached by ClinVar (database versions not stated): ExAC 0.00001; gnomAD 0.00001; gnomAD exomes 0.00001; TOPMed 0.00002.
gnomAD v4.1: 12 of 1,614,022 alleles (0.00074%); highest among the groups gnomAD compares: South Asian, 0.0011%; no homozygotes.

Submission:

Labcorp Genetics (formerly Invitae), Labcorp
Classification: Uncertain significance. Last evaluated: 2024-05-31. Review status: criteria provided, single submitter. Criteria: Invitae Variant Classification Sherloc (09022015). Collection method: clinical testing. Allele origin: germline.
Comment: This sequence change replaces isoleucine, which is neutral and non-polar, with threonine, which is neutral and polar, at codon 55 of the SLC25A4 protein (p.Ile55Thr). This variant is present in population databases (rs779998539, gnomAD 0.005%). This variant has not been reported in the literature in individuals affected with SLC25A4-related conditions. ClinVar contains an entry for this variant (Variation ID: 1966912). Advanced modeling of protein sequence and biophysical properties (such as structural, functional, and spatial information, amino acid conservation, physicochemical variation, residue mobility, and thermodynamic stability) performed at Invitae indicates that this missense variant is not expected to disrupt SLC25A4 protein function with a negative predictive value of 80%. In summary, the available evidence is currently insufficient to determine the role of this variant in disease. Therefore, it has been classified as a Variant of Uncertain Significance.